The following is an entry in ClinVar:

ClinVar aggregate classification (germline): Conflicting classifications of pathogenicity. Review status: criteria provided, conflicting classifications (1 of 4 stars). 3 submissions from 3 submitters: Uncertain significance (2); Benign (1). Last evaluated 2025-02-07.

Conditions:
Inborn genetic diseases. Identifiers: MedGen C0950123, MeSH D030342.

Allele frequency attached by ClinVar (database versions not stated): ExAC 0.00006; gnomAD 0.00007; TOPMed 0.00007; ESP Exome Variant Server 0.00009; gnomAD exomes 0.00018.
gnomAD v4.1: 202 of 1,209,772 alleles (0.017%); highest among the groups gnomAD compares: Non-Finnish European, 0.021%; no homozygotes.

Submissions (3):

Ambry Genetics
Classification: Uncertain significance for Inborn genetic diseases. Last evaluated: 2025-02-07. Review status: criteria provided, single submitter. Criteria: Ambry Variant Classification Scheme 2023. Collection method: clinical testing. Allele origin: germline.

Revvity Omics, Revvity
Classification: Benign. Last evaluated: 2024-05-23. Review status: criteria provided, single submitter. Criteria: ACMG Guidelines, 2015. Collection method: clinical testing. Allele origin: germline.

Labcorp Genetics (formerly Invitae), Labcorp
Classification: Uncertain significance. Last evaluated: 2024-05-17. Review status: criteria provided, single submitter. Criteria: Invitae Variant Classification Sherloc (09022015). Collection method: clinical testing. Allele origin: germline.
Comment: This sequence change replaces glycine, which is neutral and non-polar, with arginine, which is basic and polar, at codon 296 of the ALAS2 protein (p.Gly296Arg). This variant is present in population databases (rs372076630, gnomAD 0.02%). This variant has not been reported in the literature in individuals affected with ALAS2-related conditions. ClinVar contains an entry for this variant (Variation ID: 2400538). Advanced modeling of protein sequence and biophysical properties (such as structural, functional, and spatial information, amino acid conservation, physicochemical variation, residue mobility, and thermodynamic stability) performed at Invitae indicates that this missense variant is not expected to disrupt ALAS2 protein function with a negative predictive value of 95%. In summary, the available evidence is currently insufficient to determine the role of this variant in disease. Therefore, it has been classified as a Variant of Uncertain Significance.

NM_000032.5(ALAS2):c.886G>A (p.Gly296Arg)

Gene: ALAS2 (5'-aminolevulinate synthase 2; minus strand). Cytogenetic location: Xp11.21.
Variant type: single nucleotide variant.
Coding change: c.886G>A on transcript NM_000032.5 (MANE Select); coding-DNA position 886, G replaced by A.
Protein change: p.Gly296Arg; replaces glycine 296 with arginine.
Molecular consequence: missense variant.
Genome position (GRCh38, 1-based): chrX:55,017,603, C>T on the plus strand (G>A on the coding strand, the complement: ALAS2 is on the minus strand). VCF-style: chrX-55017603-C-T. GRCh37 (hg19) VCF-style: chrX-55044036-C-T.
Other names: c.775G>A, p.Gly259Arg (NM_001037967.4); c.847G>A, p.Gly283Arg (NM_001037968.4); short protein forms G283R, G296R, G259R.
Identifiers: ClinVar variation 2400538 (VCV002400538.9), dbSNP rs372076630, ClinGen allele CA10428366.